The following is an entry in ClinVar:

NM_001382567.1(STIM1):c.622C>T (p.His208Tyr)

Gene: STIM1 (stromal interaction molecule 1; plus strand). Cytogenetic location: 11p15.4.
Variant type: single nucleotide variant.
Coding change: c.622C>T on transcript NM_001382567.1 (MANE Select); coding-DNA position 622, C replaced by T.
Protein change: p.His208Tyr; replaces histidine 208 with tyrosine.
Molecular consequence: missense variant. On other transcripts: non-coding transcript variant (2).
Genome position (GRCh38, 1-based): chr11:4,070,034, C>T. VCF-style: chr11-4070034-C-T. GRCh37 (hg19) VCF-style: chr11-4091264-C-T.
Other names: c.622C>T, p.His208Tyr (NM_001277961.3, NM_001277962.2, NM_001382568.1 and 2 more transcripts); c.400C>T, p.His134Tyr (NM_001382566.1, NM_001382573.1, NM_001382574.1 and 5 more transcripts); c.487C>T, p.His163Tyr (NM_001382569.1); c.394C>T, p.His132Tyr (NM_001382570.1); c.142C>T, p.His48Tyr (NM_001382571.1); c.133C>T, p.His45Tyr (NM_001382580.1, NM_001382581.1); short protein forms H132Y, H134Y, H45Y, H163Y, H48Y, H208Y.
Identifiers: ClinVar variation 1369208 (VCV001369208.6), dbSNP rs2133161238, ClinGen allele CA379485966.
Genomic context (GRCh38, chr11:4,070,034, plus strand): 5'-GCTAAGTGTGCAGTGGGCACCCTAACTCATCATGCCCTCCCCTCTCTGGCAGTGACTCGC[C>T]ATAATCACCTCAAGGACTTCATGCTGGTGGTGTCTATCGTTATTGGTGTGGGCGGCTGCT-3'
Protein context (NP_001369496.1, residues 198-218): VLFGPPLLTR[His208Tyr]NHLKDFMLVV

ClinVar aggregate classification (germline): Uncertain significance (1 of 4 stars; one submission).

Conditions:
Stormorken syndrome (STRMK). Also called: THROMBOCYTOPATHY, ASPLENIA, AND MIOSIS. Identifiers: Orphanet 3204, MedGen C1861451, MONDO:0008497, OMIM 185070.
Myopathy with tubular aggregates (TAM). Also called: Tubular Aggregate Myopathy. Identifiers: Orphanet 2593, MedGen C0410207, MONDO:0008051.
Combined immunodeficiency due to STIM1 deficiency. Also called: STIM1 DEFICIENCY; IMMUNODEFICIENCY 10. Identifiers: Orphanet 169090, Orphanet 317430, MedGen C2748557, MONDO:0013008, OMIM 612783.

Allele frequency attached by ClinVar (database versions not stated): gnomAD exomes below 0.00001.
gnomAD v4.1: 1 of 1,614,112 alleles (0.000062%); highest among the groups gnomAD compares: Non-Finnish European, 0.000085%; no homozygotes.

Submission:

Labcorp Genetics (formerly Invitae), Labcorp
Classification: Uncertain significance for Myopathy with tubular aggregates; Combined immunodeficiency due to STIM1 deficiency; Stormorken syndrome. Last evaluated: 2021-08-16. Review status: criteria provided, single submitter. Criteria: Invitae Variant Classification Sherloc (09022015). Collection method: clinical testing. Allele origin: germline.
Comment: This variant is not present in population databases (ExAC no frequency). This variant has not been reported in the literature in individuals affected with STIM1-related conditions. Algorithms developed to predict the effect of missense changes on protein structure and function are either unavailable or do not agree on the potential impact of this missense change (SIFT: "Tolerated"; PolyPhen-2: "Probably Damaging"; Align-GVGD: "Class C0"). In summary, the available evidence is currently insufficient to determine the role of this variant in disease. Therefore, it has been classified as a Variant of Uncertain Significance. This sequence change replaces histidine with tyrosine at codon 208 of the STIM1 protein (p.His208Tyr). The histidine residue is highly conserved and there is a moderate physicochemical difference between histidine and tyrosine.